The following is an entry in ClinVar:

ClinVar aggregate classification (germline): Uncertain significance (1 of 4 stars; one submission).

Conditions:
Inborn genetic diseases. Identifiers: MedGen C0950123, MeSH D030342.

gnomAD v4.1: 3 of 1,614,018 alleles (0.00019%); highest among the groups gnomAD compares: Non-Finnish European, 0.00025%; no homozygotes.

Submission:

Ambry Genetics
Classification: Uncertain significance for Inborn genetic diseases. Last evaluated: 2025-08-08. Review status: criteria provided, single submitter. Criteria: Ambry Variant Classification Scheme 2023. Collection method: clinical testing. Allele origin: germline.
Comment: The p.R130P variant (also known as c.389G>C), located in coding exon 1 of the FANCM gene, results from a G to C substitution at nucleotide position 389. The arginine at codon 130 is replaced by proline, an amino acid with dissimilar properties. This amino acid position is conserved. In addition, the in silico prediction for this alteration is inconclusive. Based on the available evidence, the clinical significance of this variant remains unclear.

NM_020937.4(FANCM):c.389G>C (p.Arg130Pro)

Gene: FANCM (FA complementation group M; plus strand). Cytogenetic location: 14q21.2.
Variant type: single nucleotide variant.
Coding change: c.389G>C on transcript NM_020937.4 (MANE Select); coding-DNA position 389, G replaced by C.
Protein change: p.Arg130Pro; replaces arginine 130 with proline.
Molecular consequence: missense variant.
Genome position (GRCh38, 1-based): chr14:45,136,420, G>C. VCF-style: chr14-45136420-G-C. GRCh37 (hg19) VCF-style: chr14-45605623-G-C.
Other names: c.389G>C, p.Arg130Pro (NM_001308133.2, NM_001308134.2); short protein forms R130P.
Identifiers: ClinVar variation 4254662 (VCV004254662.1).
Genomic context (GRCh38, chr14:45,136,420, plus strand): 5'-GTCTGCCTACCGGACTGGGAAAGACCTTTATTGCCGCCGTGGTCATGTACAATTTCTACC[G>C]CTGGTTCCCTTCAGGAAAGGTGGTCTTCATGGCCCCAACGAAACCCTTGGTGACACAGCA-3'
Protein context (NP_065988.1, residues 120-140): IAAVVMYNFY[Arg130Pro]WFPSGKVVFM